The following is an entry in ClinVar:

ClinVar aggregate classification (germline): Uncertain significance (1 of 4 stars; one submission).

Submission:

Dasa
Classification: Uncertain significance. Last evaluated: 2025-05-15. Review status: criteria provided, single submitter. Criteria: DASA Assertion Criteria. Collection method: clinical testing. Allele origin: germline.
Comment: NM_000554.6(CRX):c.152T>C (p.Leu51Pro) is a missense variant that results in the substitution of leucine with proline. The affected residue or protein region has prior evidence supporting clinical relevance. This variant is absent from population databases. Computational prediction algorithms are consistent with a deleterious effect. The currently available literature and clinical evidence are not sufficient to establish a definitive association between this variant and the reported condition. Therefore, this variant is classified as a variant of uncertain significance.

NM_000554.6(CRX):c.152T>C (p.Leu51Pro)

Gene: CRX (cone-rod homeobox; plus strand). Cytogenetic location: 19q13.33.
Variant type: single nucleotide variant.
Coding change: c.152T>C on transcript NM_000554.6 (MANE Select); coding-DNA position 152, T replaced by C.
Protein change: p.Leu51Pro; replaces leucine 51 with proline.
Molecular consequence: missense variant.
Genome position (GRCh38, 1-based): chr19:47,836,294, T>C. VCF-style: chr19-47836294-T-C. GRCh37 (hg19) VCF-style: chr19-48339551-T-C.
Other names: short protein forms L51P.
Identifiers: ClinVar variation 4886079 (VCV004886079.2).
Genomic context (GRCh38, chr19:47,836,294, plus strand): 5'-CCACCCCAGGCGCCCCCAGGAAGCAGCGGCGGGAGCGCACCACCTTCACCCGGAGCCAAC[T>C]GGAGGAGCTGGAGGCACTGTTTGCCAAGACCCAGTACCCAGACGTCTATGCCCGTGAGGA-3'
Protein context (NP_000545.1, residues 41-61): RERTTFTRSQ[Leu51Pro]EELEALFAKT